The following is an entry in ClinVar:

NM_020791.4(TAOK1):c.451G>C (p.Asp151His)

Gene: TAOK1 (TAO kinase 1; plus strand). Cytogenetic location: 17q11.2.
Variant type: single nucleotide variant.
Coding change: c.451G>C on transcript NM_020791.4 (MANE Select); coding-DNA position 451, G replaced by C.
Protein change: p.Asp151His; replaces aspartic acid 151 with histidine.
Molecular consequence: missense variant.
Genome position (GRCh38, 1-based): chr17:29,480,369, G>C. VCF-style: chr17-29480369-G-C. GRCh37 (hg19) VCF-style: chr17-27807387-G-C.
Other names: c.451G>C, p.Asp151His (NM_025142.1); short protein forms D151H.
Identifiers: ClinVar variation 1710367 (VCV001710367.3), dbSNP rs2508205699, ClinGen allele CA399189863.
Genomic context (GRCh38, chr17:29,480,369, plus strand): 5'-GTTTTAAACATAATCTATTGAGGGAAAGTTAAGTAATTTTCTGTATTCCCTAAACCTAGA[G>C]ATATCAAAGCAGGAAATATCCTTCTGACAGAACCAGGCCAGGTGAAACTTGCTGACTTTG-3'
Protein context (NP_065842.1, residues 141-161): YLHSHTMIHR[Asp151His]IKAGNILLTE

ClinVar aggregate classification (germline): Uncertain significance (1 of 4 stars; one submission).

Submission:

Greenwood Genetic Center Diagnostic Laboratories, Greenwood Genetic Center
Classification: Uncertain significance. Last evaluated: 2022-08-23. Review status: criteria provided, single submitter. Criteria: ACMG Guidelines, 2015. Collection method: clinical testing. Allele origin: germline. Affected: yes.
Comment: PM2, PP2, PP3